The following is an entry in ClinVar:

NM_006859.4(LIAS):c.354G>C (p.Trp118Cys)

Gene: LIAS (lipoic acid synthetase; plus strand). Cytogenetic location: 4p14.
Variant type: single nucleotide variant.
Coding change: c.354G>C on transcript NM_006859.4 (MANE Select); coding-DNA position 354, G replaced by C.
Protein change: p.Trp118Cys; replaces tryptophan 118 with cysteine.
Molecular consequence: missense variant.
Genome position (GRCh38, 1-based): chr4:39,463,566, G>C. VCF-style: chr4-39463566-G-C. GRCh37 (hg19) VCF-style: chr4-39465186-G-C.
Other names: c.354G>C, p.Trp118Cys (NM_001278590.2, NM_001278591.2, NM_194451.3); c.260G>C, p.Gly87Ala (NM_001278592.2, NM_001363700.2); short protein forms G87A, W118C.
Identifiers: ClinVar variation 1055152 (VCV001055152.10), dbSNP rs754927642, ClinGen allele CA2894648.

ClinVar aggregate classification (germline): Uncertain significance (1 of 4 stars; one submission).

Conditions:
Lipoic acid synthetase deficiency. Also called: HYPERGLYCINEMIA, LACTIC ACIDOSIS, AND SEIZURES. Identifiers: Orphanet 401859, MedGen C3280887, MONDO:0013762, OMIM 614462.

Allele frequency attached by ClinVar (database versions not stated): gnomAD exomes below 0.00001; TOPMed below 0.00001; ExAC 0.00001; gnomAD 0.00001.

Submission:

Labcorp Genetics (formerly Invitae), Labcorp
Classification: Uncertain significance for Lipoic acid synthetase deficiency. Last evaluated: 2022-10-05. Review status: criteria provided, single submitter. Criteria: Invitae Variant Classification Sherloc (09022015). Collection method: clinical testing. Allele origin: germline.
Comment: ClinVar contains an entry for this variant (Variation ID: 1055152). This variant has not been reported in the literature in individuals affected with LIAS-related conditions. This variant is present in population databases (rs754927642, gnomAD 0.0009%). This sequence change replaces tryptophan, which is neutral and slightly polar, with cysteine, which is neutral and slightly polar, at codon 118 of the LIAS protein (p.Trp118Cys). Advanced modeling of protein sequence and biophysical properties (such as structural, functional, and spatial information, amino acid conservation, physicochemical variation, residue mobility, and thermodynamic stability) performed at Invitae indicates that this missense variant is expected to disrupt LIAS protein function. In summary, the available evidence is currently insufficient to determine the role of this variant in disease. Therefore, it has been classified as a Variant of Uncertain Significance.